The following is an entry in ClinVar:

NM_001353345.2(SETD1B):c.161A>G (p.His54Arg)

Gene: SETD1B (SET domain containing 1B, histone lysine methyltransferase; plus strand). Cytogenetic location: 12q24.31.
Variant type: single nucleotide variant.
Coding change: c.161A>G on transcript NM_001353345.2 (MANE Select); coding-DNA position 161, A replaced by G.
Protein change: p.His54Arg; replaces histidine 54 with arginine.
Molecular consequence: missense variant.
Genome position (GRCh38, 1-based): chr12:121,804,898, A>G. VCF-style: chr12-121804898-A-G. GRCh37 (hg19) VCF-style: chr12-122242804-A-G.
Other names: short protein forms H54R.
Identifiers: ClinVar variation 3392827 (VCV003392827.1).
Genomic context (GRCh38, chr12:121,804,898, plus strand): 5'-TGATGATTGACCCGGCTCTGAAAAAGGGGCATCATAAACTGTACCGCTACGATGGGCAGC[A>G]TTTCAGCCTGGCGGTGAGTAGCCGGCGCGCCCCCCCAGCCGTGCCCCGCGTCGTGTCCGG-3'
Protein context (NP_001340274.1, residues 44-64): HHKLYRYDGQ[His54Arg]FSLAMSSNRP

ClinVar aggregate classification (germline): Uncertain significance (1 of 4 stars; one submission).

Submission:

GeneDx
Classification: Uncertain significance. Last evaluated: 2024-06-24. Review status: criteria provided, single submitter. Criteria: GeneDx Variant Classification Process June 2021. Collection method: clinical testing. Allele origin: germline. Affected: yes.
Comment: Not observed at significant frequency in large population cohorts (gnomAD); In silico analysis supports that this missense variant has a deleterious effect on protein structure/function; Has not been previously published as pathogenic or benign to our knowledge